The following is an entry in ClinVar:

ClinVar aggregate classification (germline): Uncertain significance. Review status: criteria provided, multiple submitters, no conflicts (2 of 4 stars). 2 submissions from 2 submitters: Uncertain significance (2). Last evaluated 2023-07-21.

Conditions:
Combined oxidative phosphorylation defect type 27. Also called: Combined oxidative phosphorylation deficiency 27. Identifiers: Orphanet 477774, MedGen C5567608, MONDO:0014728, OMIM 616672.
Inborn genetic diseases. Identifiers: MedGen C0950123, MeSH D030342.

Allele frequency attached by ClinVar (database versions not stated): gnomAD exomes 0.00002 and 0.00003; ExAC 0.00010; TOPMed 0.00012; ESP Exome Variant Server 0.00015; 1000 Genomes Project 0.00020; 1000 Genomes Project 30x 0.00031.
gnomAD v4.1: 46 of 1,609,264 alleles (0.0029%); highest among the groups gnomAD compares: African/African-American, 0.032%; no homozygotes.

Submissions (2):

Labcorp Genetics (formerly Invitae), Labcorp
Classification: Uncertain significance for Combined oxidative phosphorylation defect type 27. Last evaluated: 2023-07-21. Review status: criteria provided, single submitter. Criteria: Invitae Variant Classification Sherloc (09022015). Collection method: clinical testing. Allele origin: germline.
Comment: In summary, the available evidence is currently insufficient to determine the role of this variant in disease. Therefore, it has been classified as a Variant of Uncertain Significance. Advanced modeling of protein sequence and biophysical properties (such as structural, functional, and spatial information, amino acid conservation, physicochemical variation, residue mobility, and thermodynamic stability) performed at Invitae indicates that this missense variant is not expected to disrupt CARS2 protein function. ClinVar contains an entry for this variant (Variation ID: 844519). This variant has not been reported in the literature in individuals affected with CARS2-related conditions. The frequency data for this variant in the population databases is considered unreliable, as metrics indicate poor data quality at this position in the gnomAD database. This sequence change replaces arginine, which is basic and polar, with tryptophan, which is neutral and slightly polar, at codon 492 of the CARS2 protein (p.Arg492Trp).

Ambry Genetics
Classification: Uncertain significance for Inborn genetic diseases. Last evaluated: 2021-10-14. Review status: criteria provided, single submitter. Criteria: Ambry Variant Classification Scheme 2023. Collection method: clinical testing. Allele origin: germline.

NM_024537.4(CARS2):c.1474C>T (p.Arg492Trp)

Gene: CARS2 (cysteinyl-tRNA synthetase 2, mitochondrial; minus strand). Cytogenetic location: 13q34.
Variant type: single nucleotide variant.
Coding change: c.1474C>T on transcript NM_024537.4 (MANE Select); coding-DNA position 1474, C replaced by T.
Protein change: p.Arg492Trp; replaces arginine 492 with tryptophan.
Molecular consequence: missense variant. On other transcripts: non-coding transcript variant (2).
Genome position (GRCh38, 1-based): chr13:110,642,464, G>A on the plus strand (C>T on the coding strand, the complement: CARS2 is on the minus strand). VCF-style: chr13-110642464-G-A. GRCh37 (hg19) VCF-style: chr13-111294811-G-A.
Other names: c.688C>T, p.Arg230Trp (NM_001352252.2); c.1474C>T (NM_024537.2); short protein forms R492W, R230W.
Identifiers: ClinVar variation 844519 (VCV000844519.7), dbSNP rs200151026, ClinGen allele CA7051641.
Genomic context (GRCh38, chr13:110,642,464, plus strand): 5'-GGGCGTCCCCCGTGGCCTCGGGCATGGCCAGCGCAAACTGCCGGACCTTCTGCCGGAACC[G>A]CACCAGCTCGTCCACCACACCATGCAAGGTAGCCTCGCTGCCGTCTCCTGAAACGTACTG-3'
Protein context (NP_078813.1, residues 482-502): TLHGVVDELV[Arg492Trp]FRQKVRQFAL